The following is an entry in ClinVar:

NM_014000.3(VCL):c.173G>A (p.Gly58Glu)

Gene: VCL (vinculin; plus strand). Cytogenetic location: 10q22.2.
Variant type: single nucleotide variant.
Coding change: c.173G>A on transcript NM_014000.3 (MANE Select); coding-DNA position 173, G replaced by A.
Protein change: p.Gly58Glu; replaces glycine 58 with glutamic acid.
Molecular consequence: missense variant.
Genome position (GRCh38, 1-based): chr10:74,043,087, G>A. VCF-style: chr10-74043087-G-A. GRCh37 (hg19) VCF-style: chr10-75802845-G-A.
Other names: c.173G>A, p.Gly58Glu (NM_003373.4); short protein forms G58E.
Identifiers: ClinVar variation 1713383 (VCV001713383.5), dbSNP rs1841125642, ClinGen allele CA377259913.

ClinVar aggregate classification (germline): Uncertain significance (1 of 4 stars; one submission).

Conditions:
Dilated cardiomyopathy 1W (CMD1W). Identifiers: Orphanet 154, MedGen C1969639, MONDO:0012667, OMIM 611407.

Submission:

Labcorp Genetics (formerly Invitae), Labcorp
Classification: Uncertain significance for Dilated cardiomyopathy 1W. Last evaluated: 2022-07-22. Review status: criteria provided, single submitter. Criteria: Invitae Variant Classification Sherloc (09022015). Collection method: clinical testing. Allele origin: germline.
Comment: In summary, the available evidence is currently insufficient to determine the role of this variant in disease. Therefore, it has been classified as a Variant of Uncertain Significance. Algorithms developed to predict the effect of missense changes on protein structure and function are either unavailable or do not agree on the potential impact of this missense change (SIFT: "Not Available"; PolyPhen-2: "Probably Damaging"; Align-GVGD: "Not Available"). This variant has not been reported in the literature in individuals affected with VCL-related conditions. This variant is not present in population databases (gnomAD no frequency). This sequence change replaces glycine, which is neutral and non-polar, with glutamic acid, which is acidic and polar, at codon 58 of the VCL protein (p.Gly58Glu).